The following is an entry in ClinVar:

ClinVar aggregate classification (germline): Likely benign (0 of 4 stars; one submission).

Conditions:
PLCD1-related disorder. Also called: PLCD1-related condition.

Allele frequency attached by ClinVar (database versions not stated): gnomAD 0.00001; gnomAD exomes 0.00002; TOPMed 0.00006.
gnomAD v4.1: 28 of 1,614,054 alleles (0.0017%); highest among the groups gnomAD compares: Admixed American, 0.01%; no homozygotes.

Submission:

PreventionGenetics, part of Exact Sciences
Classification: Likely benign for PLCD1-related condition. Last evaluated: 2019-02-21. Review status: no assertion criteria provided. Collection method: clinical testing. Allele origin: germline.
Comment: This variant is classified as likely benign based on ACMG/AMP sequence variant interpretation guidelines (Richards et al. 2015 PMID: 25741868, with internal and published modifications).

NM_006225.4(PLCD1):c.1638C>T (p.His546=)

Gene: PLCD1 (phospholipase C delta 1; minus strand). Cytogenetic location: 3p22.2.
Variant type: single nucleotide variant.
Coding change: c.1638C>T on transcript NM_006225.4 (MANE Select); coding-DNA position 1638, C replaced by T.
Protein change: p.His546=; no amino-acid change (histidine 546 retained).
Molecular consequence: synonymous variant. On other transcripts: non-coding transcript variant (1).
Genome position (GRCh38, 1-based): chr3:38,009,127, G>A on the plus strand (C>T on the coding strand, the complement: PLCD1 is on the minus strand). VCF-style: chr3-38009127-G-A. GRCh37 (hg19) VCF-style: chr3-38050618-G-A.
Other names: c.1701C>T, p.His567= (NM_001130964.2).
Identifiers: ClinVar variation 3057682 (VCV003057682.2), dbSNP rs963953979, ClinGen allele CA72863194.